The following is an entry in ClinVar:

NM_000152.5(GAA):c.752C>T (p.Ser251Leu)

Gene: GAA (alpha glucosidase; plus strand). Cytogenetic location: 17q25.3.
Variant type: single nucleotide variant.
Coding change: c.752C>T on transcript NM_000152.5 (MANE Select); coding-DNA position 752, C replaced by T.
Protein change: p.Ser251Leu; replaces serine 251 with leucine.
Molecular consequence: missense variant.
Genome position (GRCh38, 1-based): chr17:80,107,616, C>T. VCF-style: chr17-80107616-C-T. GRCh37 (hg19) VCF-style: chr17-78081415-C-T.
Other names: c.752C>T, p.Ser251Leu (NM_001079803.3, NM_001079804.3); c.752C>T (NM_001079804.2, LRG_673t1, NM_000152.4); short protein forms S251L.
Identifiers: ClinVar variation 325781 (VCV000325781.39), dbSNP rs200856561, ClinGen allele CA8815007.

ClinVar aggregate classification (germline): Conflicting classifications of pathogenicity. Review status: criteria provided, conflicting classifications (1 of 4 stars). 17 submissions from 17 submitters: Pathogenic (3); Likely pathogenic (6); Uncertain significance (6). 2 of the submissions do not count toward it. Last evaluated 2026-07-01.

Conditions:
Glycogen storage disease, type II (IOPD). Also called: POMPE DISEASE, INFANTILE-ONSET; GLYCOGEN STORAGE DISEASE II, INFANTILE-ONSET; ACID ALPHA-GLUCOSIDASE DEFICIENCY, INFANTILE-ONSET; GAA DEFICIENCY, INFANTILE-ONSET; ACID MALTASE DEFICIENCY, INFANTILE-ONSET; Glucosidase acid-1,4-alpha deficiency. Identifiers: Orphanet 365, MedGen C0017921, MONDO:0009290, OMIM 232300.
GAA-related disorders.
GAA-related disorder. Also called: GAA-related condition.
Glycogen storage disease due to acid maltase deficiency, late-onset (LOPD). Also called: GLYCOGEN STORAGE DISEASE II, LATE-ONSET; ACID ALPHA-GLUCOSIDASE DEFICIENCY, LATE-ONSET; GAA DEFICIENCY, LATE-ONSET; ACID MALTASE DEFICIENCY, LATE-ONSET; AMD, LATE-ONSET; POMPE DISEASE, LATE-ONSET. Identifiers: Orphanet 420429, MedGen C0342753, MONDO:0018485, OMIM 621314.

Allele frequency attached by ClinVar (database versions not stated): 1000 Genomes Project 30x 0.00016; TOPMed 0.00016; 1000 Genomes Project 0.00020; ExAC 0.00030; gnomAD exomes 0.00035; gnomAD 0.00038.
gnomAD v4.1: 194 of 1,613,226 alleles (0.012%); highest among the groups gnomAD compares: East Asian, 0.26%; no homozygotes.

Submissions 1 to 11 of 17:

Genomenon, Inc
Classification: Uncertain significance for Glycogen storage disease, type II. Last evaluated: 2026-07-01. Review status: criteria provided, single submitter. Criteria: Genomenon Sequence Variant Interpretation Standards - Updated. Collection method: curation. Allele origin: germline. Affected: yes.
Comment: GAA p.Ser251Leu (c.752C>T) is a missense variant that changes the amino acid at codon 251 from Serine to Leucine. This variant is commonly observed in cis with p.Ser254Leu as part of a shared haplotype c.[752C>T;761C>T]. This haplotype has been observed in several probands with a GAA-related disorder in trans with a pathogenic or likely pathogenic variant (PMID:25466677;40952111;36137614;32802993;32014045;29122469), but to our knowledge Ser251Leu has not been observed in patients with a GAA-related disorder as an isolated variant. Functional studies have been reported (PMID:34995642). In silico models predict that p.Ser251Leu is not damaging. While there is evidence supporting pathogenicity for the c.[752C>T;761C>T] haplotype, the clinical significance of p.Ser251Leu alone is unknown. In conclusion, we classify GAA p.Ser251Leu (c.752C>T) as a variant of uncertain significance.

Women's Health and Genetics/Laboratory Corporation of America, LabCorp
Classification: Uncertain significance. Last evaluated: 2026-04-29. Review status: criteria provided, single submitter. Criteria: LabCorp Variant Classification Summary - May 2015. Collection method: clinical testing. Allele origin: germline.
Comment: Variant summary: GAA c.752C>T (p.Ser251Leu) results in a non-conservative amino acid change located in the Galactose mutarotase, N-terminal barrel domain (IPR031727) of the encoded protein sequence. Four of five in-silico tools predict a benign effect of the variant on protein function. The variant allele was found at a frequency of 0.00035 in 282488 control chromosomes. This frequency is not significantly higher than estimated for a pathogenic variant in GAA causing Glycogen Storage Disease, Type 2 (Pompe Disease) (0.00035 vs 0.0042), allowing no conclusion about variant significance. c.752C>T has been reported in the literature as a complex allele in cis with c.761C>T (p.Ser254Leu) in settings of newborn screening for Glycogen Storage Disease, Type 2 (Pompe Disease) (reported as c.[752C>T; 761C>T] in Labrousse_2010, Chien_2011, Liao_2014 etc). This complex allele has been observed as a homozygous and compound heterozygous genotype in the ascertained reports. These report(s) do not provide unequivocal conclusions about association of the current variant in isolation with Glycogen Storage Disease, Type 2 (Pompe Disease). Co-occurrences of this complex allele in cis with other pathogenic variant(s) have been reported in the literature (GAA c.1411_1414del , p.E471PfsX5), providing supporting evidence for a benign role (example, Larousse_2010, Liao_2014, Yue_2024). To our knowledge, no variant specific experimental evidence demonstrating an impact on protein function has been reported. The following publications have been ascertained in the context of this evaluation (PMID: 31228295, 21232767, 22644586, 20080426, 24513544, 38186848). ClinVar contains an entry for this variant (Variation ID: 325781). Based on the evidence outlined above, the variant was classified as uncertain significance.

Mayo Clinic Laboratories, Mayo Clinic
Classification: Pathogenic. Last evaluated: 2025-10-23. Review status: criteria provided, single submitter. Criteria: ACMG Guidelines, 2015. Collection method: clinical testing. Allele origin: germline. Observed: 3 variant alleles.

3billion
Classification: Pathogenic for Glycogen storage disease, type II. Last evaluated: 2025-10-03. Review status: criteria provided, single submitter. Criteria: ACMG Guidelines, 2015. Collection method: clinical testing. Allele origin: germline. Affected: yes.
Comment: The variant is observed at an extremely low frequency in the gnomAD v4.1.0 dataset (total allele frequency: 0.012%). Predicted Consequence/Location: Missense variant Functional studies provide moderate evidence of the variant having a damaging effect on the gene or gene product (PMID: 22644586). In silico tool predictions suggest damaging effect of the variant on gene or gene product [3Cnet: 0.92 (> 0.75, sensitivity 0.96 and precision 0.92)]. The same nucleotide change resulting in the same amino acid change has been previously reported to be associated with GAA-related disorder (ClinVar ID: VCV000325781 /PMID: 31637888 /3billion dataset).The variant has been reported to be in trans with a pathogenic variant as either compound heterozygous or homozygous in at least 4 similarly affected unrelated individuals (PMID: 21232767, 24513544, 29124014). A different missense change at the same codon (p.Ser251Trp) has been reported to be associated with GAA-related disorder (PMID: 39678382). Therefore, this variant is classified as Pathogenic according to the recommendation of ACMG/AMP guideline.

Laboratory of Genetics, Children's Clinical University Hospital Latvia
Classification: Pathogenic. Last evaluated: 2025-02-16. Review status: criteria provided, single submitter. Criteria: ACMG Guidelines, 2015. Collection method: clinical testing. Allele origin: germline. Affected: yes.

Blueprint Genetics
Classification: Likely pathogenic for GAA-related disorders. Last evaluated: 2024-07-12. Review status: criteria provided, single submitter. Criteria: ACMG Guidelines, 2015. Collection method: clinical testing. Allele origin: germline. Affected: yes. Observed: 5 variant alleles.

Fulgent Genetics
Classification: Likely pathogenic for Glycogen storage disease, type II. Last evaluated: 2024-05-30. Review status: criteria provided, single submitter. Criteria: ACMG Guidelines, 2015. Collection method: clinical testing. Allele origin: germline.

Labcorp Genetics (formerly Invitae), Labcorp
Classification: Uncertain significance for Glycogen storage disease, type II. Last evaluated: 2022-09-27. Review status: criteria provided, single submitter. Criteria: Invitae Variant Classification Sherloc (09022015). Collection method: clinical testing. Allele origin: germline.
Comment: This sequence change replaces serine, which is neutral and polar, with leucine, which is neutral and non-polar, at codon 251 of the GAA protein (p.Ser251Leu). This variant is present in population databases (rs200856561, gnomAD 0.3%). The c.752C>T (p.Ser251Leu) variant frequently co-occurs with the c.761C>T (p.Ser254Leu) variant (rs577915581) in cis (on the same chromosome), which is known as the c.[752C>T;761C>T] haplotype. This haplotype has been reported in the literature as homozygous or in combination with other GAA variants in multiple individuals affected with Pompe disease (PMID: 24513544, 29124014, 27183828). The clinical significance of the c.752C>T variant alone is unclear and has not been reported in the literature in individuals with GAA-related disease. ClinVar contains an entry for this variant (Variation ID: 325781). Advanced modeling of protein sequence and biophysical properties (such as structural, functional, and spatial information, amino acid conservation, physicochemical variation, residue mobility, and thermodynamic stability) performed at Invitae indicates that this missense variant is not expected to disrupt GAA protein function. While the c.752C>T (p.Ser251Leu) variant alone has not been shown to affect GAA protein function, the c.[752C>T; 761C>T] haplotype has been reported to reduce enzyme activity (PMID: 22644586). In summary, the available evidence is currently insufficient to determine the role of this variant in disease. Therefore, it has been classified as a Variant of Uncertain Significance.

AiLife Diagnostics
Classification: Likely pathogenic. Last evaluated: 2022-01-28. Review status: criteria provided, single submitter. Criteria: ACMG Guidelines, 2015. Collection method: clinical testing. Allele origin: germline. Affected: yes. Observed: 1 variant allele.

Genome-Nilou Lab
Classification: Uncertain significance for Glycogen storage disease, type II. Last evaluated: 2021-07-22. Review status: criteria provided, single submitter. Criteria: ACMG Guidelines, 2015. Collection method: clinical testing. Allele origin: germline. Affected: no.

GeneDx
Classification: Uncertain significance. Last evaluated: 2021-06-18. Review status: criteria provided, single submitter. Criteria: GeneDx Variant Classification Process June 2021. Collection method: clinical testing. Allele origin: germline. Affected: yes.
Comment: In silico analysis supports that this missense variant does not alter protein structure/function; This variant is associated with the following publications: (PMID: 25466677, 29122469, 27183828, 18458862, 24513544, 29451150, 29124014, 30555256, 31637888, 31980526)